The following is an entry in ClinVar:

NM_007286.6(SYNPO):c.1416C>A (p.Asn472Lys)

Gene: SYNPO (synaptopodin; plus strand). Cytogenetic location: 5q33.1.
Variant type: single nucleotide variant.
Coding change: c.1416C>A on transcript NM_007286.6 (MANE Select); coding-DNA position 1416, C replaced by A.
Protein change: p.Asn472Lys; replaces asparagine 472 with lysine.
Molecular consequence: missense variant.
Genome position (GRCh38, 1-based): chr5:150,649,691, C>A. VCF-style: chr5-150649691-C-A. GRCh37 (hg19) VCF-style: chr5-150029253-C-A.
Other names: c.1416C>A, p.Asn472Lys (NM_001109974.3); c.2148C>A, p.Asn716Lys (NM_001166208.2, NM_001166209.2); c.2148C>A (NM_001166208.1); short protein forms N716K, N472K.
Identifiers: ClinVar variation 2130637 (VCV002130637.7), dbSNP rs775685409, ClinGen allele CA3513417.
Genomic context (GRCh38, chr5:150,649,691, plus strand): 5'-GGCCTCCTGCCTCAAGTCACCCCGCATCCAGGCCAAGCCGAAGCCCAAACCCAACCAGAA[C>A]CTCTCCGAGGCCTCTGGGAAGGGAGCTGAGCTCTACGCCCGCCGCCAGTCACGGATGGAG-3'
Protein context (NP_009217.3, residues 462-482): QAKPKPKPNQ[Asn472Lys]LSEASGKGAE

ClinVar aggregate classification (germline): Uncertain significance. Review status: criteria provided, multiple submitters, no conflicts (2 of 4 stars). 2 submissions from 2 submitters: Uncertain significance (2). Last evaluated 2025-09-01.

Allele frequency attached by ClinVar (database versions not stated): TOPMed below 0.00001; ExAC 0.00001; gnomAD exomes 0.00001.

Submissions (2):

Ambry Genetics
Classification: Uncertain significance. Last evaluated: 2025-09-01. Review status: criteria provided, single submitter. Criteria: Ambry Variant Classification Scheme 2023. Collection method: clinical testing. Allele origin: germline.

Labcorp Genetics (formerly Invitae), Labcorp
Classification: Uncertain significance. Last evaluated: 2024-01-02. Review status: criteria provided, single submitter. Criteria: Invitae Variant Classification Sherloc (09022015). Collection method: clinical testing. Allele origin: germline.
Comment: This sequence change replaces asparagine, which is neutral and polar, with lysine, which is basic and polar, at codon 472 of the SYNPO protein (p.Asn472Lys). The frequency data for this variant in the population databases is considered unreliable, as metrics indicate poor data quality at this position in the gnomAD database. This variant has not been reported in the literature in individuals affected with SYNPO-related conditions. ClinVar contains an entry for this variant (Variation ID: 2130637). An algorithm developed to predict the effect of missense changes on protein structure and function (PolyPhen-2) suggests that this variant is likely to be disruptive. In summary, the available evidence is currently insufficient to determine the role of this variant in disease. Therefore, it has been classified as a Variant of Uncertain Significance.